The following is an entry in ClinVar:

ClinVar aggregate classification (germline): Uncertain significance. Review status: criteria provided, multiple submitters, no conflicts (2 of 4 stars). 5 submissions from 5 submitters: Uncertain significance (4). 1 of the submissions does not count toward it. Last evaluated 2025-05-21.

Conditions:
Fanconi anemia complementation group A (FANCA). Also called: FANCA-Related Fanconi Anemia; Fanconi anemia, group A. Identifiers: Orphanet 84, MedGen C3469521, MONDO:0009215, OMIM 227650.
Inborn genetic diseases. Identifiers: MedGen C0950123, MeSH D030342.
Fanconi anemia (FA). Also called: Fanconi's anemia. Identifiers: Orphanet 84, MedGen C0015625, MeSH D005199, MONDO:0019391.

Allele frequency attached by ClinVar (database versions not stated): ESP Exome Variant Server 0.00008; gnomAD exomes 0.00002 and 0.00003; gnomAD 0.00003; ExAC 0.00009; TOPMed 0.00002.
gnomAD v4.1: 49 of 1,556,976 alleles (0.0031%); highest among the groups gnomAD compares: Non-Finnish European, 0.0038%; no homozygotes.

Submissions (5):

Dasa
Classification: Uncertain significance. Last evaluated: 2025-05-21. Review status: criteria provided, single submitter. Criteria: DASA Assertion Criteria. Collection method: clinical testing. Allele origin: germline.
Comment: NM_000135.4(FANCA):c.3359G>C (p.Cys1120Ser) is a missense variant that results in the substitution of cysteine with serine. This variant is rare in population databases. Computational prediction algorithms are consistent with a benign effect. The currently available literature and clinical evidence are not sufficient to establish a definitive association between this variant and the reported condition. Therefore, this variant is classified as a variant of uncertain significance.

Ambry Genetics
Classification: Uncertain significance for Inborn genetic diseases. Last evaluated: 2024-10-15. Review status: criteria provided, single submitter. Criteria: Ambry Variant Classification Scheme 2023. Collection method: clinical testing. Allele origin: germline.
Comment: The p.C1120S variant (also known as c.3359G>C), located in coding exon 34 of the FANCA gene, results from a G to C substitution at nucleotide position 3359. The cysteine at codon 1120 is replaced by serine, an amino acid with dissimilar properties. This amino acid position is conserved. In addition, this alteration is predicted to be tolerated by in silico analysis. Based on the available evidence, the clinical significance of this variant remains unclear.

Labcorp Genetics (formerly Invitae), Labcorp
Classification: Uncertain significance for Fanconi anemia. Last evaluated: 2022-07-14. Review status: criteria provided, single submitter. Criteria: Invitae Variant Classification Sherloc (09022015). Collection method: clinical testing. Allele origin: germline.
Comment: This sequence change replaces cysteine, which is neutral and slightly polar, with serine, which is neutral and polar, at codon 1120 of the FANCA protein (p.Cys1120Ser). This variant is present in population databases (rs370731587, gnomAD 0.006%). This variant has not been reported in the literature in individuals affected with FANCA-related conditions. ClinVar contains an entry for this variant (Variation ID: 860767). Advanced modeling of protein sequence and biophysical properties (such as structural, functional, and spatial information, amino acid conservation, physicochemical variation, residue mobility, and thermodynamic stability) performed at Invitae indicates that this missense variant is not expected to disrupt FANCA protein function. In summary, the available evidence is currently insufficient to determine the role of this variant in disease. Therefore, it has been classified as a Variant of Uncertain Significance.

Illumina Laboratory Services, Illumina
Classification: Uncertain significance for Fanconi anemia complementation group A. Last evaluated: 2018-01-13. Review status: criteria provided, single submitter. Criteria: ICSL Variant Classification Criteria 13 December 2019. Collection method: clinical testing. Allele origin: germline.

Natera, Inc.
Classification: Uncertain significance for Fanconi anemia, group A. Last evaluated: 2020-01-17. Review status: no assertion criteria provided. Collection method: clinical testing. Allele origin: germline. Not counted in ClinVar's aggregate classification.

NM_000135.4(FANCA):c.3359G>C (p.Cys1120Ser)

Gene: FANCA (FA complementation group A; minus strand). Cytogenetic location: 16q24.3.
Variant type: single nucleotide variant.
Coding change: c.3359G>C on transcript NM_000135.4 (MANE Select); coding-DNA position 3359, G replaced by C.
Protein change: p.Cys1120Ser; replaces cysteine 1120 with serine.
Molecular consequence: missense variant.
Genome position (GRCh38, 1-based): chr16:89,746,880, C>G on the plus strand (G>C on the coding strand, the complement: FANCA is on the minus strand). VCF-style: chr16-89746880-C-G. GRCh37 (hg19) VCF-style: chr16-89813288-C-G.
Other names: c.3359G>C, p.Cys1120Ser (NM_001286167.3); short protein forms C1120S.
Identifiers: ClinVar variation 860767 (VCV000860767.13), dbSNP rs370731587, ClinGen allele CA8251200.